The following is an entry in ClinVar:

NM_181426.2(CCDC39):c.779A>G (p.Asn260Ser)

Gene: CCDC39 (coiled-coil domain 39 molecular ruler complex subunit; minus strand). Cytogenetic location: 3q26.33.
Variant type: single nucleotide variant.
Coding change: c.779A>G on transcript NM_181426.2 (MANE Select); coding-DNA position 779, A replaced by G.
Protein change: p.Asn260Ser; replaces asparagine 260 with serine.
Molecular consequence: missense variant.
Genome position (GRCh38, 1-based): chr3:180,654,913, T>C on the plus strand (A>G on the coding strand, the complement: CCDC39 is on the minus strand). VCF-style: chr3-180654913-T-C. GRCh37 (hg19) VCF-style: chr3-180372701-T-C.
Other names: short protein forms N260S.
Identifiers: ClinVar variation 2626088 (VCV002626088.2), dbSNP rs1711546260, ClinGen allele CA355300568.

ClinVar aggregate classification (germline): Uncertain significance (1 of 4 stars; one submission).

Conditions:
Primary ciliary dyskinesia. Also called: Ciliary dyskinesia. Identifiers: Orphanet 244, MedGen C0008780, MONDO:0016575, HP:0012265.

Allele frequency attached by ClinVar (database versions not stated): gnomAD exomes below 0.00001; TOPMed below 0.00001.
gnomAD v4.1: 1 of 1,585,592 alleles (0.000063%); highest among the groups gnomAD compares: Non-Finnish European, 0.000086%; no homozygotes.

Submission:

Ambry Genetics
Classification: Uncertain significance for Primary ciliary dyskinesia. Last evaluated: 2023-09-14. Review status: criteria provided, single submitter. Criteria: Ambry Variant Classification Scheme 2023. Collection method: clinical testing. Allele origin: germline.
Comment: The p.N260S variant (also known as c.779A>G), located in coding exon 7 of the CCDC39 gene, results from an A to G substitution at nucleotide position 779. The asparagine at codon 260 is replaced by serine, an amino acid with highly similar properties. This amino acid position is conserved. In addition, this alteration is predicted to be tolerated by in silico analysis. Since supporting evidence is limited at this time, the clinical significance of this alteration remains unclear.